The following is an entry in ClinVar:

NM_000051.4(ATM):c.5511_5587dup (p.Ser1863delinsPheValArgLeuTyrPheHisThrTer)

Gene: ATM (ATM serine/threonine kinase; plus strand). Cytogenetic location: 11q22.3.
Variant type: Duplication.
Coding change: c.5511_5587dup on transcript NM_000051.4 (MANE Select); coding-DNA positions 5511 to 5587, 77 bases duplicated.
Protein change: p.Ser1863delinsPheValArgLeuTyrPheHisThrTer.
Molecular consequence: nonsense.
Genome position (GRCh38, 1-based): chr11:108,304,689-108,304,765, 77 bases duplicated. GRCh37 (hg19): chr11:108,175,416-108,175,492.
Other names: c.5511_5587dup, p.Ser1863delinsPheValArgLeuTyrPheHisThrTer (NM_001351834.2).
Identifiers: ClinVar variation 2732240 (VCV002732240.3), dbSNP rs2546986817, ClinGen allele CA2697558853.

ClinVar aggregate classification (germline): Pathogenic (1 of 4 stars; one submission).

Conditions:
Ataxia-telangiectasia syndrome (AT). Also called: Cerebello-oculocutaneous telangiectasia; Immunodeficiency with ataxia telangiectasia; Ataxia-telangiectasia, complementation group E; Ataxia-telangiectasia, complementation group D; AT, COMPLEMENTATION GROUP C; ATAXIA-TELANGIECTASIA, COMPLEMENTATION GROUP A. Identifiers: Orphanet 100, MedGen C0004135, MONDO:0008840, OMIM 208900.

Submission:

Labcorp Genetics (formerly Invitae), Labcorp
Classification: Pathogenic for Ataxia-telangiectasia syndrome. Last evaluated: 2024-07-08. Review status: criteria provided, single submitter. Criteria: Invitae Variant Classification Sherloc (09022015). Collection method: clinical testing. Allele origin: germline.
Comment: This sequence change creates a premature translational stop signal (p.Ser1863Phefs*9) in the ATM gene. It is expected to result in an absent or disrupted protein product. Loss-of-function variants in ATM are known to be pathogenic (PMID: 23807571, 25614872). This variant is not present in population databases (gnomAD no frequency). This variant has not been reported in the literature in individuals affected with ATM-related conditions. For these reasons, this variant has been classified as Pathogenic.

Literature cited by the submitters: PubMed 23807571; PubMed 25614872.